The following is an entry in ClinVar:

ClinVar aggregate classification (germline): Pathogenic/Likely pathogenic. Review status: criteria provided, multiple submitters, no conflicts (2 of 4 stars). 2 submissions from 2 submitters: Pathogenic (1); Likely pathogenic (1). Last evaluated 2025-07-08.

Allele frequency attached by ClinVar (database versions not stated): gnomAD exomes 0.00001; ExAC 0.00002; TOPMed 0.00002; gnomAD 0.00003.
gnomAD v4.1: 22 of 1,613,874 alleles (0.0014%); highest among the groups gnomAD compares: Non-Finnish European, 0.0017%; no homozygotes.

Submissions (2):

GeneDx
Classification: Likely pathogenic. Last evaluated: 2025-07-08. Review status: criteria provided, single submitter. Criteria: GeneDx Variant Classification Process June 2021. Collection method: clinical testing. Allele origin: germline. Affected: yes.
Comment: Nonsense variant predicted to result in protein truncation or nonsense mediated decay in a gene for which loss of function is a known mechanism of disease; Not observed at significant frequency in large population cohorts (gnomAD); Has not been previously published as pathogenic or benign to our knowledge

Labcorp Genetics (formerly Invitae), Labcorp
Classification: Pathogenic. Last evaluated: 2024-03-26. Review status: criteria provided, single submitter. Criteria: Invitae Variant Classification Sherloc (09022015). Collection method: clinical testing. Allele origin: germline.
Comment: This sequence change creates a premature translational stop signal (p.Arg1324*) in the SZT2 gene. It is expected to result in an absent or disrupted protein product. Loss-of-function variants in SZT2 are known to be pathogenic (PMID: 23932106, 27248490, 28556953). This variant is present in population databases (rs777424455, gnomAD 0.004%). This variant has not been reported in the literature in individuals affected with SZT2-related conditions. ClinVar contains an entry for this variant (Variation ID: 1451264). Algorithms developed to predict the effect of sequence changes on RNA splicing suggest that this variant may disrupt the consensus splice site. For these reasons, this variant has been classified as Pathogenic.

Literature cited by the submitters: PubMed 23932106 (cited by Labcorp Genetics (formerly Invitae), Labcorp); PubMed 27248490 (cited by Labcorp Genetics (formerly Invitae), Labcorp); PubMed 28556953 (cited by Labcorp Genetics (formerly Invitae), Labcorp).

NM_001365999.1(SZT2):c.4141C>T (p.Arg1381Ter)

Gene: SZT2 (SZT2 subunit of KICSTOR complex; plus strand). Cytogenetic location: 1p34.2.
Variant type: single nucleotide variant.
Coding change: c.4141C>T on transcript NM_001365999.1 (MANE Select); coding-DNA position 4141, C replaced by T.
Protein change: p.Arg1381Ter; replaces arginine 1381 with a stop codon.
Molecular consequence: nonsense.
Genome position (GRCh38, 1-based): chr1:43,428,461, C>T. VCF-style: chr1-43428461-C-T. GRCh37 (hg19) VCF-style: chr1-43894132-C-T.
Other names: c.3970C>T, p.Arg1324Ter (NM_015284.4); c.3970C>T (NM_015284.3); short protein forms R1324*, R1381*.
Identifiers: ClinVar variation 1451264 (VCV001451264.7), dbSNP rs777424455, ClinGen allele CA809190.
Genomic context (GRCh38, chr1:43,428,461, plus strand): 5'-GGTCCTCTCAGCCCTGGGCCCTTCAGCAGCAGCATGGAGGAGGGTGCTGAACCTCGGGAA[C>T]GAGCTATCCTAGCTTCTGAATCCAGGTTAGGATTATACTTGAATGATGGATAAGGGGGTA-3'